The following is an entry in ClinVar:

NM_000709.4(BCKDHA):c.564dup (p.Arg189fs)

Gene: BCKDHA (branched chain keto acid dehydrogenase E1 subunit alpha; plus strand). Cytogenetic location: 19q13.2.
Variant type: Duplication.
Coding change: c.564dup on transcript NM_000709.4 (MANE Select); coding-DNA position 564, one base duplicated (G; older notation c.564dupG).
Protein change: p.Arg189fs; shifts the reading frame from arginine 189.
Molecular consequence: frameshift variant.
Genome position (GRCh38, 1-based): chr19:41,419,214, G duplicated; the last of 4 consecutive G bases (chr19:41,419,211-41,419,214); duplicating any one gives the same sequence. VCF-style (leftmost placement, unchanged base first): chr19-41419210-A-AG. GRCh37 (hg19) VCF-style: chr19-41925115-A-AG.
Other names: c.564dup, p.Arg189fs (NM_001164783.2); short protein forms R189fs.
Identifiers: ClinVar variation 2680118 (VCV002680118.2), dbSNP rs2513457503, ClinGen allele CA2695198204.

ClinVar aggregate classification (germline): Pathogenic/Likely pathogenic. Review status: criteria provided, multiple submitters, no conflicts (2 of 4 stars). 2 submissions from 2 submitters: Pathogenic (1); Likely pathogenic (1). Last evaluated 2025-01-31.

Conditions:
Maple syrup urine disease (MSUD). Identifiers: Orphanet 511, MedGen C0024776, MeSH D008375, MONDO:0009563. Disease mechanism: loss of function.
Maple syrup urine disease type 1A (MSUD1A). Also called: MSUD type 1A. Identifiers: MedGen C1855369, MONDO:0023691, OMIM 248600.

Submissions (2):

Myriad Genetics, Inc.
Classification: Pathogenic for Maple syrup urine disease type 1A. Last evaluated: 2025-01-31. Review status: criteria provided, single submitter. Criteria: Myriad Autosomal Dominant, Autosomal Recessive and X-Linked Classification Criteria (2023). Collection method: clinical testing. Allele origin: unknown.
Comment: NM_000709.3(BCKDHA):c.564dupG(R189Afs*55) is expected to be pathogenic in the context of maple syrup urine disease type Ia. This variant is predicted to lead to an abnormal or absent protein product due to the creation of a premature termination codon in BCKDHA, a gene where loss-of-function variants are known to be pathogenic. Please note: this variant was assessed in the context of healthy population screening.

Baylor Genetics
Classification: Likely pathogenic for Maple syrup urine disease type 1A. Last evaluated: 2023-04-11. Review status: criteria provided, single submitter. Criteria: ACMG Guidelines, 2015. Collection method: clinical testing. Allele origin: unknown.